The following is an entry in ClinVar:

NM_030957.4(ADAMTS10):c.3264C>A (p.Ser1088Arg)

Gene: ADAMTS10 (ADAM metallopeptidase with thrombospondin type 1 motif 10; minus strand). Cytogenetic location: 19p13.2.
Variant type: single nucleotide variant.
Coding change: c.3264C>A on transcript NM_030957.4 (MANE Select); coding-DNA position 3264, C replaced by A.
Protein change: p.Ser1088Arg; replaces serine 1088 with arginine.
Molecular consequence: missense variant.
Genome position (GRCh38, 1-based): chr19:8,580,941, G>T on the plus strand (C>A on the coding strand, the complement: ADAMTS10 is on the minus strand). VCF-style: chr19-8580941-G-T. GRCh37 (hg19) VCF-style: chr19-8645825-G-T.
Other names: c.1725C>A, p.Ser575Arg (NM_001282352.2); short protein forms S1088R, S575R.
Identifiers: ClinVar variation 2140209 (VCV002140209.1), dbSNP rs2042337405, ClinGen allele CA403747874.

ClinVar aggregate classification (germline): Uncertain significance (1 of 4 stars; one submission).

Allele frequency attached by ClinVar (database versions not stated): gnomAD exomes below 0.00001.
gnomAD v4.1: 2 of 1,613,422 alleles (0.00012%); highest among the groups gnomAD compares: Non-Finnish European, 0.000085%; no homozygotes.

Submission:

Labcorp Genetics (formerly Invitae), Labcorp
Classification: Uncertain significance. Last evaluated: 2022-05-21. Review status: criteria provided, single submitter. Criteria: Invitae Variant Classification Sherloc (09022015). Collection method: clinical testing. Allele origin: germline.
Comment: This sequence change replaces serine, which is neutral and polar, with arginine, which is basic and polar, at codon 1088 of the ADAMTS10 protein (p.Ser1088Arg). This variant is not present in population databases (gnomAD no frequency). This variant has not been reported in the literature in individuals affected with ADAMTS10-related conditions. Algorithms developed to predict the effect of missense changes on protein structure and function are either unavailable or do not agree on the potential impact of this missense change (SIFT: "Deleterious"; PolyPhen-2: "Probably Damaging"; Align-GVGD: "Class C0"). In summary, the available evidence is currently insufficient to determine the role of this variant in disease. Therefore, it has been classified as a Variant of Uncertain Significance.